The following is an entry in ClinVar:

NM_007363.5(NONO):c.555A>C (p.Gly185=)

Gene: NONO (non-POU domain containing octamer binding; plus strand). Cytogenetic location: Xq13.1.
Variant type: single nucleotide variant.
Coding change: c.555A>C on transcript NM_007363.5 (MANE Select); coding-DNA position 555, A replaced by C.
Protein change: p.Gly185=; no amino-acid change (glycine 185 retained).
Molecular consequence: synonymous variant.
Genome position (GRCh38, 1-based): chrX:71,294,433, A>C. VCF-style: chrX-71294433-A-C. GRCh37 (hg19) VCF-style: chrX-70514283-A-C.
Other names: c.555A>C, p.Gly185= (NM_001145408.2, NM_001145409.2); c.288A>C, p.Gly96= (NM_001145410.2).
Identifiers: ClinVar variation 4873143 (VCV004873143.2).

ClinVar aggregate classification (germline): Likely benign (1 of 4 stars; one submission).

Submission:

CeGaT Center for Human Genetics Tuebingen
Classification: Likely benign. Last evaluated: 2026-05-01. Review status: criteria provided, single submitter. Criteria: CeGaT Center For Human Genetics Tuebingen Variant Classification Criteria Version 2. Collection method: clinical testing. Allele origin: germline. Affected: yes. Observed: 1 variant allele.
Comment: NONO: PM2:Supporting, BP4, BP7